The following is an entry in ClinVar:

ClinVar aggregate classification (germline): Likely pathogenic (1 of 4 stars; one submission).

Conditions:
Cerebral cavernous malformation 2. Also called: Familial Cerebral Cavernous Malformation 2. Identifiers: Orphanet 221061, MedGen C1864041, MONDO:0011304, OMIM 603284.

Submission:

Labcorp Genetics (formerly Invitae), Labcorp
Classification: Likely pathogenic for Cerebral cavernous malformation 2. Last evaluated: 2017-11-07. Review status: criteria provided, single submitter. Criteria: Invitae Variant Classification Sherloc (09022015). Collection method: clinical testing. Allele origin: germline.
Comment: In summary, the currently available evidence indicates that the variant is pathogenic, but additional data are needed to prove that conclusively. Therefore, this variant has been classified as Likely Pathogenic. Algorithms developed to predict the effect of missense changes on protein structure and function (SIFT, PolyPhen-2, Align-GVGD) all suggest that this variant is likely to be disruptive, but these predictions have not been confirmed by published functional studies and their clinical significance is uncertain. This variant has been reported in families affected with cerebral cavernous malformations (PMID: 27792856, Invitae). This variant is not present in population databases (ExAC no frequency). This sequence change replaces leucine with proline at codon 212 of the CCM2 protein (p.Leu212Pro). The leucine residue is highly conserved and there is a moderate physicochemical difference between leucine and proline.

Literature cited by the submitters: PubMed 27792856.

NM_031443.4(CCM2):c.635T>C (p.Leu212Pro)

Gene: CCM2 (CCM2 scaffold protein; plus strand). Cytogenetic location: 7p13.
Variant type: single nucleotide variant.
Coding change: c.635T>C on transcript NM_031443.4 (MANE Select); coding-DNA position 635, T replaced by C.
Protein change: p.Leu212Pro; replaces leucine 212 with proline.
Molecular consequence: missense variant. On other transcripts: non-coding transcript variant (1), intron variant (1).
Genome position (GRCh38, 1-based): chr7:45,069,851, T>C. VCF-style: chr7-45069851-T-C. GRCh37 (hg19) VCF-style: chr7-45109450-T-C.
Other names: c.698T>C, p.Leu233Pro (NM_001029835.2); c.461T>C, p.Leu154Pro (NM_001167934.2, NM_001363459.2); c.635T>C, p.Leu212Pro (NM_001363458.2); c.473-2875T>C (NM_001167935.2); short protein forms L212P, L233P, L154P.
Identifiers: ClinVar variation 468338 (VCV000468338.8), dbSNP rs1554377652, ClinGen allele CA367430545.